The following is an entry in ClinVar:

NM_001376.5(DYNC1H1):c.667C>T (p.Arg223Cys)

Gene: DYNC1H1 (dynein cytoplasmic 1 heavy chain 1; plus strand). Cytogenetic location: 14q32.31.
Variant type: single nucleotide variant.
Coding change: c.667C>T on transcript NM_001376.5 (MANE Select); coding-DNA position 667, C replaced by T.
Protein change: p.Arg223Cys; replaces arginine 223 with cysteine.
Molecular consequence: missense variant.
Genome position (GRCh38, 1-based): chr14:101,979,867, C>T. VCF-style: chr14-101979867-C-T. GRCh37 (hg19) VCF-style: chr14-102446204-C-T.
Other names: short protein forms R223C.
Identifiers: ClinVar variation 848239 (VCV000848239.15), dbSNP rs757819428, ClinGen allele CA7351561.
Genomic context (GRCh38, chr14:101,979,867, plus strand): 5'-CCGGAGATCAGCCTGCCGATTCATCCAATGATCACAAATGTTGCAAAACAGTGTTATGAG[C>T]GTGGAGAAAAGCCAAAAGTTACAGACTTTGGTGATAAGGTTGAAGACCCAACATTTCTTA-3'
Protein context (NP_001367.2, residues 213-233): ITNVAKQCYE[Arg223Cys]GEKPKVTDFG

ClinVar aggregate classification (germline): Conflicting classifications of pathogenicity. Review status: criteria provided, conflicting classifications (1 of 4 stars). 4 submissions from 4 submitters: Uncertain significance (3); Likely benign (1). Last evaluated 2025-10-20.

Conditions:
Inborn genetic diseases. Identifiers: MedGen C0950123, MeSH D030342.
Charcot-Marie-Tooth disease axonal type 2O. Also called: CHARCOT-MARIE-TOOTH NEUROPATHY, AXONAL, TYPE 2O; CHARCOT-MARIE-TOOTH DISEASE, AXONAL, AUTOSOMAL DOMINANT, TYPE 2O; Charcot-Marie-Tooth disease, axonal, type 20; Charcot-Marie-Tooth Neuropathy Type 2O. Identifiers: Orphanet 284232, MedGen C3280220, MONDO:0013644, OMIM 614228.

Allele frequency attached by ClinVar (database versions not stated): gnomAD 0.00001; TOPMed 0.00001; ExAC 0.00002; gnomAD exomes 0.00001 and below 0.00001.
gnomAD v4.1: 8 of 1,613,978 alleles (0.0005%); highest among the groups gnomAD compares: South Asian, 0.0066%; no homozygotes.

Submissions (4):

GeneDx
Classification: Uncertain significance. Last evaluated: 2025-10-20. Review status: criteria provided, single submitter. Criteria: GeneDx Variant Classification Process June 2021. Collection method: clinical testing. Allele origin: germline. Affected: yes.
Comment: In silico analysis supports that this missense variant has a deleterious effect on protein structure/function; Has not been previously published as pathogenic or benign to our knowledge; This variant is associated with the following publications: (PMID: 26100331, 25609763, 25512093)

Labcorp Genetics (formerly Invitae), Labcorp
Classification: Likely benign for Charcot-Marie-Tooth disease axonal type 2O. Last evaluated: 2024-09-09. Review status: criteria provided, single submitter. Criteria: Invitae Variant Classification Sherloc (09022015). Collection method: clinical testing. Allele origin: germline.

Ambry Genetics
Classification: Uncertain significance for Inborn genetic diseases. Last evaluated: 2024-05-08. Review status: criteria provided, single submitter. Criteria: Ambry Variant Classification Scheme 2023. Collection method: clinical testing. Allele origin: germline.

Revvity Omics, Revvity
Classification: Uncertain significance. Last evaluated: 2021-02-19. Review status: criteria provided, single submitter. Criteria: ACMG Guidelines, 2015. Collection method: clinical testing. Allele origin: germline.